The following is an entry in ClinVar:

ClinVar aggregate classification (germline): Uncertain significance. Review status: criteria provided, multiple submitters, no conflicts (2 of 4 stars). 3 submissions from 3 submitters: Uncertain significance (3). Last evaluated 2025-07-18.

Conditions:
Hereditary cancer-predisposing syndrome. Also called: Neoplastic Syndromes, Hereditary; Tumor predisposition; Hereditary Cancer Syndrome; Hereditary neoplastic syndrome. Identifiers: Orphanet 140162, MedGen C0027672, MeSH D009386, MONDO:0015356.
Intellectual disability, autosomal dominant 16 (CSS4). Also called: COFFIN-SIRIS SYNDROME 4. Identifiers: Orphanet 1465, MedGen C3553249, MONDO:0013821, OMIM 614609.
Rhabdoid tumor predisposition syndrome 2 (RTPS2). Identifiers: Orphanet 231108, Orphanet 69077, MedGen C2750074, MONDO:0013224, OMIM 613325.

Submissions (3):

Ambry Genetics
Classification: Uncertain significance for Hereditary cancer-predisposing syndrome. Last evaluated: 2025-07-18. Review status: criteria provided, single submitter. Criteria: Ambry Variant Classification Scheme 2023. Collection method: clinical testing. Allele origin: germline.
Comment: The p.L388P variant (also known as c.1163T>C), located in coding exon 6 of the SMARCA4 gene, results from a T to C substitution at nucleotide position 1163. The leucine at codon 388 is replaced by proline, an amino acid with similar properties. This amino acid position is highly conserved in available vertebrate species. In addition, this alteration is predicted to be deleterious by in silico analysis. Since supporting evidence is limited at this time, the clinical significance of this alteration remains unclear.

Labcorp Genetics (formerly Invitae), Labcorp
Classification: Uncertain significance for Rhabdoid tumor predisposition syndrome 2. Last evaluated: 2023-11-02. Review status: criteria provided, single submitter. Criteria: Invitae Variant Classification Sherloc (09022015). Collection method: clinical testing. Allele origin: germline.
Comment: This sequence change replaces leucine, which is neutral and non-polar, with proline, which is neutral and non-polar, at codon 388 of the SMARCA4 protein (p.Leu388Pro). This variant is not present in population databases (gnomAD no frequency). This variant has not been reported in the literature in individuals affected with SMARCA4-related conditions. ClinVar contains an entry for this variant (Variation ID: 484937). Advanced modeling of protein sequence and biophysical properties (such as structural, functional, and spatial information, amino acid conservation, physicochemical variation, residue mobility, and thermodynamic stability) performed at Invitae indicates that this missense variant is expected to disrupt SMARCA4 protein function with a positive predictive value of 95%. In summary, the available evidence is currently insufficient to determine the role of this variant in disease. Therefore, it has been classified as a Variant of Uncertain Significance.

Genome-Nilou Lab
Classification: Uncertain significance for Intellectual disability, autosomal dominant 16. Last evaluated: 2021-07-15. Review status: criteria provided, single submitter. Criteria: ACMG Guidelines, 2015. Collection method: clinical testing. Allele origin: germline. Affected: no.

NM_003072.5(SMARCA4):c.1163T>C (p.Leu388Pro)

Gene: SMARCA4 (SWI/SNF related BAF chromatin remodeling complex subunit ATPase 4; plus strand). Cytogenetic location: 19p13.2.
Variant type: single nucleotide variant.
Coding change: c.1163T>C on transcript NM_003072.5 (MANE Select); coding-DNA position 1163, T replaced by C.
Protein change: p.Leu388Pro; replaces leucine 388 with proline.
Molecular consequence: missense variant. On other transcripts: non-coding transcript variant (1).
Genome position (GRCh38, 1-based): chr19:10,989,361, T>C. VCF-style: chr19-10989361-T-C. GRCh37 (hg19) VCF-style: chr19-11100037-T-C.
Other names: c.1163T>C, p.Leu388Pro (NM_001128844.3, NM_001128845.2, NM_001128846.2 and 5 more transcripts); short protein forms L388P.
Identifiers: ClinVar variation 484937 (VCV000484937.17), dbSNP rs1555756337, ClinGen allele CA404059515.